The following is an entry in ClinVar:

NM_001040142.2(SCN2A):c.3736dup (p.Asp1246fs)

Gene: SCN2A (sodium voltage-gated channel alpha subunit 2; plus strand). Cytogenetic location: 2q24.3.
Variant type: Duplication.
Coding change: c.3736dup on transcript NM_001040142.2 (MANE Select); coding-DNA position 3736, one base duplicated (G; older notation c.3736dupG).
Protein change: p.Asp1246fs; shifts the reading frame from aspartic acid 1246.
Molecular consequence: frameshift variant.
Genome position (GRCh38, 1-based): chr2:165,370,186, G duplicated. VCF-style (leftmost placement, unchanged base first): chr2-165370185-T-TG. GRCh37 (hg19) VCF-style: chr2-166226695-T-TG.
Other names: c.3736dup, p.Asp1246fs (NM_001040143.2, NM_001371246.1, NM_001371247.1 and 1 more transcripts); short protein forms D1246fs.
Identifiers: ClinVar variation 982645 (VCV000982645.1), dbSNP rs1700953301, ClinGen allele CA1139657292.

ClinVar aggregate classification (germline): Pathogenic (1 of 4 stars; one submission).

Conditions:
Developmental and epileptic encephalopathy, 11 (DEE11). Also called: Early infantile epileptic encephalopathy 11. Identifiers: Orphanet 1934, MedGen C3150987, MONDO:0013388, OMIM 613721.

Submission:

Institute of Human Genetics, University of Leipzig Medical Center
Classification: Pathogenic for Developmental and epileptic encephalopathy, 11. Last evaluated: 2019-01-01. Review status: criteria provided, single submitter. Criteria: ACMG Guidelines, 2015. Collection method: clinical testing. Allele origin: de novo. Affected: yes.
Comment: This variant was identified as de novo.